The following is an entry in ClinVar:

NM_015910.7(WDPCP):c.1915+29476G>A

Gene: WDPCP (WD repeat containing planar cell polarity effector; minus strand). Cytogenetic location: 2p15.
Variant type: single nucleotide variant.
Coding change: c.1915+29476G>A on transcript NM_015910.7 (MANE Select); 29476 bases into the intron after coding-DNA position 1915, G replaced by A.
Molecular consequence: intron variant.
Genome position (GRCh38, 1-based): chr2:63,229,831, C>T on the plus strand (G>A on the coding strand, the complement: WDPCP is on the minus strand). VCF-style: chr2-63229831-C-T. GRCh37 (hg19) VCF-style: chr2-63456966-C-T.
Other names: c.1843+29476G>A (NM_001354044.2); c.1438+29476G>A (NM_001042692.3).
Identifiers: ClinVar variation 3067263 (VCV003067263.21), dbSNP rs746981898, ClinGen allele CA1682058.

ClinVar aggregate classification (germline): Likely benign (1 of 4 stars; one submission).

Allele frequency attached by ClinVar (database versions not stated): 1000 Genomes Project 30x 0.00047; gnomAD exomes 0.00076; TOPMed 0.00087; gnomAD 0.00092.
gnomAD v4.1: 138 of 152,242 alleles (0.091%); highest among the groups gnomAD compares: Admixed American, 0.027%; no homozygotes.

Submission:

CeGaT Center for Human Genetics Tuebingen
Classification: Likely benign. Last evaluated: 2024-03-01. Review status: criteria provided, single submitter. Criteria: CeGaT Center For Human Genetics Tuebingen Variant Classification Criteria Version 2. Collection method: clinical testing. Allele origin: germline. Affected: yes. Observed: 1 variant allele.
Comment: WDPCP: BP4